The following is an entry in ClinVar:

ClinVar aggregate classification (germline): Pathogenic. Review status: criteria provided, single submitter (1 of 4 stars). 2 submissions from 2 submitters: Pathogenic (1). 1 of the submissions does not count toward it. Last evaluated 2020-03-04.

Conditions:
RAB27A-related disorder. Also called: RAB27A-related condition.
Griscelli syndrome type 2 (GS2). Also called: PAID SYNDROME; PARTIAL ALBINISM AND IMMUNODEFICIENCY SYNDROME; GRISCELLI SYNDROME WITH HEMOPHAGOCYTIC SYNDROME. Identifiers: Orphanet 381, Orphanet 79477, MedGen C1868679, MONDO:0011872, OMIM 607624.

Allele frequency attached by ClinVar (database versions not stated): gnomAD exomes below 0.00001.
gnomAD v4.1: 1 of 1,613,818 alleles (0.000062%); highest among the groups gnomAD compares: Non-Finnish European, 0.000085%; no homozygotes.

Submissions (2):

Labcorp Genetics (formerly Invitae), Labcorp
Classification: Pathogenic for Griscelli syndrome type 2. Last evaluated: 2020-03-04. Review status: criteria provided, single submitter. Criteria: Invitae Variant Classification Sherloc (09022015). Collection method: clinical testing. Allele origin: germline.
Comment: This sequence change results in a premature translational stop signal in the RAB27A gene (p.Glu147*). While this is not anticipated to result in nonsense mediated decay, it is expected to disrupt the last 75 amino acids of the RAB27A protein. This variant is not present in population databases (ExAC no frequency). For these reasons, this variant has been classified as Pathogenic. This variant disrupts the C-terminus of the RAB27A protein. Other variant(s) that disrupt this region (p.Arg184*) have been determined to be pathogenic (PMID: 10835631, 15475639, 18397837, 19030707, 19953648, 25071262, 25500851). This suggests that variants that disrupt this region of the protein are likely to be causative of disease. Algorithms developed to predict the effect of sequence changes on RNA splicing suggest that this variant may create or strengthen a splice site, but this prediction has not been confirmed by published transcriptional studies. This variant has not been reported in the literature in individuals with RAB27A-related conditions.

PreventionGenetics, part of Exact Sciences
Classification: Likely pathogenic for RAB27A-related condition. Last evaluated: 2024-06-24. Review status: no assertion criteria provided. Collection method: clinical testing. Allele origin: germline. Not counted in ClinVar's aggregate classification.
Comment: The RAB27A c.439G>T variant is predicted to result in premature protein termination (p.Glu147*). To our knowledge, this variant has not been reported in the literature or in a large population database, indicating this variant is rare. Nonsense variants in RAB27A are expected to be pathogenic. This variant is interpreted as likely pathogenic.

Literature cited by the submitters: PubMed 10835631 (cited by Labcorp Genetics (formerly Invitae), Labcorp); PubMed 15475639 (cited by Labcorp Genetics (formerly Invitae), Labcorp); PubMed 18397837 (cited by Labcorp Genetics (formerly Invitae), Labcorp); PubMed 19030707 (cited by Labcorp Genetics (formerly Invitae), Labcorp); PubMed 19953648 (cited by Labcorp Genetics (formerly Invitae), Labcorp); PubMed 25071262 (cited by Labcorp Genetics (formerly Invitae), Labcorp); PubMed 25500851 (cited by Labcorp Genetics (formerly Invitae), Labcorp).

NM_183235.3(RAB27A):c.439G>T (p.Glu147Ter)

Gene: RAB27A (RAB27A, member RAS oncogene family; minus strand). Cytogenetic location: 15q21.3.
Variant type: single nucleotide variant.
Coding change: c.439G>T on transcript NM_183235.3 (MANE Select); coding-DNA position 439, G replaced by T.
Protein change: p.Glu147Ter; replaces glutamic acid 147 with a stop codon.
Molecular consequence: nonsense.
Genome position (GRCh38, 1-based): chr15:55,223,917, C>A on the plus strand (G>T on the coding strand, the complement: RAB27A is on the minus strand). VCF-style: chr15-55223917-C-A. GRCh37 (hg19) VCF-style: chr15-55516115-C-A.
Other names: c.439G>T, p.Glu147Ter (NM_004580.5, NM_183234.3, NM_183236.3); short protein forms E147*.
Identifiers: ClinVar variation 1074152 (VCV001074152.10), dbSNP rs75258234, ClinGen allele CA392529565.
Genomic context (GRCh38, chr15:55,223,917, plus strand): 5'-TTTTCTCTAGACTTCTCCACAAAAATACTCACCCATATTTCTCTGCGAGTGCTATGGCTT[C>A]CTCCTCTTTCACTACTCTCTGGTCCTCCAGATCACTCTTGTTTCCACACAGCACTATATC-3'